The following is an entry in ClinVar:

ClinVar aggregate classification (germline): Likely pathogenic (1 of 4 stars; one submission).

Conditions:
Autosomal recessive limb-girdle muscular dystrophy type 2D (LGMDR3). Also called: DUCHENNE-LIKE AUTOSOMAL RECESSIVE MUSCULAR DYSTROPHY, TYPE 2; MUSCULAR DYSTROPHY, LIMB-GIRDLE, AUTOSOMAL RECESSIVE 3; ADHALINOPATHY, PRIMARY. Identifiers: Orphanet 62, MedGen C2936332, MONDO:0011968, OMIM 608099. Disease mechanism: Affects gamma-sarcoglycan and also disrupts the integrity of the entire sarcoglycan complex..

Submission:

Myriad Genetics, Inc.
Classification: Likely pathogenic for Autosomal recessive limb-girdle muscular dystrophy type 2D. Last evaluated: 2022-01-02. Review status: criteria provided, single submitter. Criteria: Myriad Women's Health Autosomal Recessive and X-Linked Classification Criteria (2021). Collection method: clinical testing. Allele origin: unknown.
Comment: NM_000023.2(SGCA):c.84_90del7(H29Lfs*16) is expected to be pathogenic in the context of alpha-sarcoglycanopathy. This variant is predicted to lead to an abnormal or absent protein product due to the creation of a premature termination codon in SGCA, a gene where loss-of-function variants are known to be pathogenic. Please note: this variant was assessed in the context of healthy population screening.

NM_000023.4(SGCA):c.84_90del (p.His29fs)

Gene: SGCA (sarcoglycan alpha; plus strand). Cytogenetic location: 17q21.33.
Variant type: Deletion.
Coding change: c.84_90del on transcript NM_000023.4 (MANE Select); coding-DNA positions 84 to 90, 7 bases deleted (ACACCCA; older notation c.84_90delACACCCA).
Protein change: p.His29fs; shifts the reading frame from histidine 29.
Molecular consequence: frameshift variant. On other transcripts: non-coding transcript variant (1).
Genome position (GRCh38, 1-based): chr17:50,167,414-50,167,420, ACACCCA deleted. VCF-style (leftmost placement, unchanged base first): chr17-50167413-TACACCCA-T. GRCh37 (hg19) VCF-style: chr17-48244774-TACACCCA-T.
Other names: c.84_90del, p.His29fs (NM_001135697.3); short protein forms H29fs.
Identifiers: ClinVar variation 1726835 (VCV001726835.2), dbSNP rs2509117896, ClinGen allele CA2580094126.
Genomic context (GRCh38, chr17:50,167,413, plus strand): 5'-GTGGGGTCCCCACAGTTCTCCTGGCAGGGCTGGGGGACACCGAGGCCCAGCAGACCACGC[TACACCCA>T]CTTGTGGGCCGTGTCTTTGTGCACACCTTGGACCATGAGACGTTTCTGAGCCTTCCTGAG-3'